The following is an entry in ClinVar:

ClinVar aggregate classification (germline): Uncertain significance. Review status: criteria provided, multiple submitters, no conflicts (2 of 4 stars). 3 submissions from 3 submitters: Uncertain significance (3). Last evaluated 2024-07-24.

Conditions:
Hereditary cancer-predisposing syndrome. Also called: Hereditary neoplastic syndrome; Neoplastic Syndromes, Hereditary; Tumor predisposition; Hereditary Cancer Syndrome. Identifiers: Orphanet 140162, MedGen C0027672, MeSH D009386, MONDO:0015356.
Hereditary breast ovarian cancer syndrome. Also called: Hereditary breast and ovarian cancer syndrome (HBOC); Breast and ovarian cancer; Hereditary breast and/or ovarian cancer syndrome; BRCA1- and BRCA2-Associated Hereditary Breast and Ovarian Cancer; Hereditary breast and ovarian cancer syndrome; Hereditary breast and ovarian cancer. Identifiers: Orphanet 145, MedGen C0677776, MeSH D061325, MONDO:0003582. Disease mechanism: loss of function.
Familial cancer of breast. Also called: BREAST CANCER, FAMILIAL; Hereditary breast cancer; hereditary breast carcinoma. Identifiers: Orphanet 227535, MedGen C0346153, MONDO:0016419, OMIM 114480. Disease mechanism: loss of function.

Allele frequency attached by ClinVar (database versions not stated): TOPMed 0.00001; gnomAD 0.00003.

Submissions (3):

Ambry Genetics
Classification: Uncertain significance for Hereditary cancer-predisposing syndrome. Last evaluated: 2024-07-24. Review status: criteria provided, single submitter. Criteria: Ambry Variant Classification Scheme 2023. Collection method: clinical testing. Allele origin: germline.
Comment: The p.R2424G variant (also known as c.7270A>G), located in coding exon 13 of the BRCA2 gene, results from an A to G substitution at nucleotide position 7270. The arginine at codon 2424 is replaced by glycine, an amino acid with dissimilar properties. This amino acid position is poorly conserved in available vertebrate species. In addition, this alteration is predicted to be tolerated by in silico analysis. Based on the available evidence, the clinical significance of this variant remains unclear.

Baylor Genetics
Classification: Uncertain significance for Familial cancer of breast. Last evaluated: 2023-06-24. Review status: criteria provided, single submitter. Criteria: ACMG Guidelines, 2015. Collection method: clinical testing. Allele origin: unknown.

Labcorp Genetics (formerly Invitae), Labcorp
Classification: Uncertain significance for Hereditary breast ovarian cancer syndrome. Last evaluated: 2018-03-04. Review status: criteria provided, single submitter. Criteria: Invitae Variant Classification Sherloc (09022015). Collection method: clinical testing. Allele origin: germline.
Comment: Algorithms developed to predict the effect of missense changes on protein structure and function output the following: SIFT: "Tolerated"; PolyPhen-2: "Benign"; Align-GVGD: "Class C0". The glycine amino acid residue is found in multiple mammalian species, suggesting that this missense change does not adversely affect protein function. These predictions have not been confirmed by published functional studies and their clinical significance is uncertain. In summary, the available evidence is currently insufficient to determine the role of this variant in disease. Therefore, it has been classified as a Variant of Uncertain Significance. This sequence change replaces arginine with glycine at codon 2424 of the BRCA2 protein (p.Arg2424Gly). The arginine residue is weakly conserved and there is a moderate physicochemical difference between arginine and glycine. This variant is not present in population databases (ExAC no frequency). This variant has not been reported in the literature in individuals with BRCA2-related disease. ClinVar contains an entry for this variant (Variation ID: 186000).

NM_000059.4(BRCA2):c.7270A>G (p.Arg2424Gly)

Gene: BRCA2 (BRCA2 DNA repair associated; plus strand). Cytogenetic location: 13q13.1.
Variant type: single nucleotide variant.
Coding change: c.7270A>G on transcript NM_000059.4 (MANE Select); coding-DNA position 7270, A replaced by G.
Protein change: p.Arg2424Gly; replaces arginine 2424 with glycine.
Molecular consequence: missense variant.
Genome position (GRCh38, 1-based): chr13:32,355,123, A>G. VCF-style: chr13-32355123-A-G. GRCh37 (hg19) VCF-style: chr13-32929260-A-G.
Other names: short protein forms R2424G.
Identifiers: ClinVar variation 186000 (VCV000186000.15), dbSNP rs786202621, ClinGen allele CA025008.